The following is an entry in ClinVar:

NM_000038.6(APC):c.8017A>G (p.Arg2673Gly)

Gene: APC (APC regulator of Wnt signaling pathway; plus strand). Cytogenetic location: 5q22.2.
Variant type: single nucleotide variant.
Coding change: c.8017A>G on transcript NM_000038.6 (MANE Select); coding-DNA position 8017, A replaced by G.
Protein change: p.Arg2673Gly; replaces arginine 2673 with glycine.
Molecular consequence: missense variant.
Genome position (GRCh38, 1-based): chr5:112,843,611, A>G. VCF-style: chr5-112843611-A-G. GRCh37 (hg19) VCF-style: chr5-112179308-A-G.
Other names: c.8071A>G, p.Arg2691Gly (NM_001354896.2); c.8047A>G, p.Arg2683Gly (NM_001354897.2); c.7942A>G, p.Arg2648Gly (NM_001354898.2); c.7933A>G, p.Arg2645Gly (NM_001354899.2); c.7894A>G, p.Arg2632Gly (NM_001354900.2); c.7840A>G, p.Arg2614Gly (NM_001354901.2); c.7744A>G, p.Arg2582Gly (NM_001354902.2); c.7714A>G, p.Arg2572Gly (NM_001354903.2); and 5 more; short protein forms R2655G, R2673G, R2614G, R2691G, R2582G, R2645G, R2683G, R2547G.
Identifiers: ClinVar variation 216183 (VCV000216183.30), dbSNP rs767286063, ClinGen allele CA049665.
Genomic context (GRCh38, chr5:112,843,611, plus strand): 5'-AAAACAGAGGATGTTTGGGTGAGAATTGAGGACTGTCCCATTAACAATCCTAGATCTGGA[A>G]GATCTCCCACAGGTAATACTCCCCCGGTGATTGACAGTGTTTCAGAAAAGGCAAATCCAA-3'
Protein context (NP_000029.2, residues 2663-2683): DCPINNPRSG[Arg2673Gly]SPTGNTPPVI

ClinVar aggregate classification (germline): Conflicting classifications of pathogenicity. Review status: criteria provided, conflicting classifications (1 of 4 stars). 10 submissions from 10 submitters: Uncertain significance (7); Likely benign (2). 1 of the submissions does not count toward it. Last evaluated 2025-08-11.

Conditions:
Hereditary cancer-predisposing syndrome. Also called: Tumor predisposition; Hereditary Cancer Syndrome; Hereditary neoplastic syndrome; Neoplastic Syndromes, Hereditary. Identifiers: Orphanet 140162, MedGen C0027672, MeSH D009386, MONDO:0015356.
Familial adenomatous polyposis 1 (FAP1). Also called: FAMILIAL ADENOMATOUS POLYPOSIS 1, ATTENUATED; POLYPOSIS, ADENOMATOUS INTESTINAL. Identifiers: MedGen C2713442, MONDO:0021056, OMIM 175100. Disease mechanism: loss of function.
Desmoid disease, hereditary (DESMD). Also called: FIBROMATOSIS, FAMILIAL INFILTRATIVE. Identifiers: Orphanet 873, MedGen C1851124, OMIM 135290. Disease mechanism: loss of function.
Hepatocellular carcinoma (HCC). Also called: Primary carcinoma of liver; HEPATOMA; LIVER CELL CARCINOMA. Identifiers: Orphanet 88673, MedGen C2239176, MONDO:0007256, OMIM 114550, HP:0001402.
Gastric cancer. Also called: Stomach cancer; Malignant tumor of stomach. Identifiers: MedGen C0024623, MeSH D013274, MONDO:0001056, OMIM 613659, HP:0012126.
Colorectal cancer. Also called: Colorectal cancer, somatic; Malignant Colorectal Neoplasm. Identifiers: MedGen C0346629, MONDO:0005575, OMIM 114500.
Gastric adenocarcinoma and proximal polyposis of the stomach (GAPPS). Also called: Polyposis, gastric, Dos Santos and de Magalhaes 1980; POLYPOSIS, GASTRIC; Gastric Adenocarcinoma and Proximal Polyposis of the Stomach (GAPPS). Identifiers: Orphanet 314022, MedGen C4749917, MONDO:0017790, OMIM 619182.

Allele frequency attached by ClinVar (database versions not stated): ExAC 0.00002; gnomAD exomes 0.00002; TOPMed 0.00002.
gnomAD v4.1: 40 of 1,613,908 alleles (0.0025%); highest among the groups gnomAD compares: East Asian, 0.087%; no homozygotes.

Submissions (10):

Women's Health and Genetics/Laboratory Corporation of America, LabCorp
Classification: Uncertain significance. Last evaluated: 2025-08-11. Review status: criteria provided, single submitter. Criteria: LabCorp Variant Classification Summary - May 2015. Collection method: clinical testing. Allele origin: germline.
Comment: Variant summary: APC c.8017A>G (p.Arg2673Gly) results in a non-conservative amino acid change located in the EB-1 binding (IPR009232) of the encoded protein sequence. Algorithms developed to predict the effect of missense changes on protein structure and function are either unavailable or do not agree on the potential impact of this missense change. The variant allele was found at a frequency of 1.6e-05 in 251230 control chromosomes (gnomAD). The available data on variant occurrences in the general population are insufficient to allow any conclusion about variant significance. c.8017A>G has been observed in individuals affected with Familial Adenomatous Polyposis or Pancreatic Cancer without evidence of cosegregation with disease (e.g., Mizukami_2020, Lee_2022). These reports do not provide unequivocal conclusions about association of the variant with Familial Adenomatous Polyposis. To our knowledge, no experimental evidence demonstrating an impact on protein function has been reported. The following publications have been ascertained in the context of this evaluation (PMID: 29684080, 26510091, 35189564, 32980694). ClinVar contains an entry for this variant (Variation ID: 216183). Based on the evidence outlined above, the variant was classified as uncertain significance.

Quest Diagnostics Nichols Institute San Juan Capistrano
Classification: Likely benign. Last evaluated: 2025-04-16. Review status: criteria provided, single submitter. Criteria: Quest Diagnostics criteria. Collection method: clinical testing. Allele origin: unknown.

Labcorp Genetics (formerly Invitae), Labcorp
Classification: Uncertain significance for Familial adenomatous polyposis 1. Last evaluated: 2024-11-27. Review status: criteria provided, single submitter. Criteria: Invitae Variant Classification Sherloc (09022015). Collection method: clinical testing. Allele origin: germline.
Comment: This sequence change replaces arginine, which is basic and polar, with glycine, which is neutral and non-polar, at codon 2673 of the APC protein (p.Arg2673Gly). This variant is present in population databases (rs767286063, gnomAD 0.01%). This missense change has been observed in individual(s) with clinical features of APC-related conditions (PMID: 29684080, 32980694, 33309985, 35189564). ClinVar contains an entry for this variant (Variation ID: 216183). Invitae Evidence Modeling of protein sequence and biophysical properties (such as structural, functional, and spatial information, amino acid conservation, physicochemical variation, residue mobility, and thermodynamic stability) indicates that this missense variant is not expected to disrupt APC protein function with a negative predictive value of 95%. In summary, the available evidence is currently insufficient to determine the role of this variant in disease. Therefore, it has been classified as a Variant of Uncertain Significance.

Department of Pathology and Laboratory Medicine, Sinai Health System
Classification: Uncertain significance for Desmoid disease, hereditary. Last evaluated: 2024-09-13. Review status: criteria provided, single submitter. Criteria: ACMG Guidelines, 2015. Collection method: clinical testing. Allele origin: germline. Affected: yes.

Color Diagnostics, LLC DBA Color Health
Classification: Uncertain significance for Hereditary cancer-predisposing syndrome. Last evaluated: 2024-03-20. Review status: criteria provided, single submitter. Criteria: ACMG Guidelines, 2015. Collection method: clinical testing. Allele origin: germline.
Comment: This missense variant replaces arginine with glycine at codon 2673 of the APC protein. Computational prediction is inconclusive regarding the impact of this variant on protein structure and function (internally defined REVEL score threshold 0.5 < inconclusive < 0.7, PMID: 27666373). To our knowledge, functional studies have not been reported for this variant. Large case-control studies detected no significant association with pancreatic cancer (PMID: 32980694) or colorectal cancer (PMID: 33309985) in their study cohorts. This variant has been reported in an individual undergoing screening for familial adenomatous polyposis (PMID: 35189564). This variant has been identified in 4/251230 chromosomes in the general population by the Genome Aggregation Database (gnomAD). The available evidence is insufficient to determine the role of this variant in disease conclusively. Therefore, this variant is classified as a Variant of Uncertain Significance.

Baylor Genetics
Classification: Uncertain significance for Familial adenomatous polyposis 1. Last evaluated: 2023-10-11. Review status: criteria provided, single submitter. Criteria: ACMG Guidelines, 2015. Collection method: clinical testing. Allele origin: unknown.

Ambry Genetics
Classification: Likely benign for Hereditary cancer-predisposing syndrome. Last evaluated: 2022-03-01. Review status: criteria provided, single submitter. Criteria: Ambry Variant Classification Scheme 2023. Collection method: clinical testing. Allele origin: germline.

Fulgent Genetics
Classification: Uncertain significance for Colorectal cancer; Hepatocellular carcinoma; Desmoid disease, hereditary; Familial adenomatous polyposis 1; Gastric cancer; Gastric adenocarcinoma and proximal polyposis of the stomach. Last evaluated: 2021-08-12. Review status: criteria provided, single submitter. Criteria: ACMG Guidelines, 2015. Collection method: clinical testing. Allele origin: unknown.

GeneDx
Classification: Uncertain significance. Last evaluated: 2019-08-15. Review status: criteria provided, single submitter. Criteria: GeneDx Variant Classification Process June 2021. Collection method: clinical testing. Allele origin: germline. Affected: yes.
Comment: Not observed at a significant frequency in large population cohorts (Lek 2016); In silico analysis, which includes protein predictors and evolutionary conservation, supports that this variant does not alter protein structure/function; This variant is associated with the following publications: (PMID: 29684080, 28706299)

Mayo Clinic Laboratories, Mayo Clinic
Classification: Uncertain significance. Review status: no assertion criteria provided. Collection method: research. Allele origin: unknown. Observed: 2 variant alleles. Not counted in ClinVar's aggregate classification.

Literature cited by the submitters: PubMed 29684080 (cited by 4 submitters); PubMed 26510091 (cited by Women's Health and Genetics/Laboratory Corporation of America, LabCorp); PubMed 32980694 (cited by 3 submitters); PubMed 35189564 (cited by 5 submitters); PubMed 29192238 (cited by Quest Diagnostics Nichols Institute San Juan Capistrano); PubMed 33020649 (cited by Quest Diagnostics Nichols Institute San Juan Capistrano); PubMed 33309985 (cited by 4 submitters); PubMed 35586626 (cited by Quest Diagnostics Nichols Institute San Juan Capistrano); PubMed 36896836 (cited by Quest Diagnostics Nichols Institute San Juan Capistrano); PubMed 36243179 (cited by Quest Diagnostics Nichols Institute San Juan Capistrano).